The following is an entry in ClinVar:

NM_015072.5(TTLL5):c.3193A>C (p.Thr1065Pro)

Gene: TTLL5 (tubulin tyrosine ligase like 5; plus strand). Cytogenetic location: 14q24.3.
Variant type: single nucleotide variant.
Coding change: c.3193A>C on transcript NM_015072.5 (MANE Select); coding-DNA position 3193, A replaced by C.
Protein change: p.Thr1065Pro; replaces threonine 1065 with proline.
Molecular consequence: missense variant.
Genome position (GRCh38, 1-based): chr14:75,820,028, A>C. VCF-style: chr14-75820028-A-C. GRCh37 (hg19) VCF-style: chr14-76286371-A-C.
Other names: short protein forms T1065P.
Identifiers: ClinVar variation 2089157 (VCV002089157.4), dbSNP rs1894738201, ClinGen allele CA390536407.
Genomic context (GRCh38, chr14:75,820,028, plus strand): 5'-CTCTGTAAAGTCAGGTTATTTCCCTCGCTTTATTTCTAGGTAACAAACCTGAATTTGGCA[A>C]CTGGCATCATAAACAGAAGCAGTGCTTCAGCTCCCCCAACCCTCCGACCCATCATCAGTC-3'
Protein context (NP_055887.3, residues 1055-1075): TQQVTNLNLA[Thr1065Pro]GIINRSSASA

ClinVar aggregate classification (germline): Uncertain significance (1 of 4 stars; one submission).

Submission:

Labcorp Genetics (formerly Invitae), Labcorp
Classification: Uncertain significance. Last evaluated: 2022-01-22. Review status: criteria provided, single submitter. Criteria: Invitae Variant Classification Sherloc (09022015). Collection method: clinical testing. Allele origin: germline.
Comment: In summary, the available evidence is currently insufficient to determine the role of this variant in disease. Therefore, it has been classified as a Variant of Uncertain Significance. Algorithms developed to predict the effect of missense changes on protein structure and function (SIFT, PolyPhen-2, Align-GVGD) all suggest that this variant is likely to be tolerated. This variant has not been reported in the literature in individuals affected with TTLL5-related conditions. This variant is not present in population databases (gnomAD no frequency). This sequence change replaces threonine, which is neutral and polar, with proline, which is neutral and non-polar, at codon 1065 of the TTLL5 protein (p.Thr1065Pro).